The following is an entry in ClinVar:

ClinVar aggregate classification (germline): Likely benign. Review status: criteria provided, multiple submitters, no conflicts (2 of 4 stars). 4 submissions from 4 submitters: Likely benign (4). Last evaluated 2026-06-01.

Conditions:
Hereditary cancer-predisposing syndrome. Also called: Hereditary Cancer Syndrome; Tumor predisposition; Neoplastic Syndromes, Hereditary; Hereditary neoplastic syndrome. Identifiers: Orphanet 140162, MedGen C0027672, MeSH D009386, MONDO:0015356.
Neuroblastoma, susceptibility to, 3. Also called: ALK-Related Neuroblastic Tumor Susceptibility. Identifiers: Orphanet 635, MedGen C2751681, MONDO:0013083, OMIM 613014.

Allele frequency attached by ClinVar (database versions not stated): ExAC 0.00002; gnomAD exomes 0.00002; gnomAD 0.00005; TOPMed 0.00005; ESP Exome Variant Server 0.00015.
gnomAD v4.1: 81 of 1,614,002 alleles (0.005%); highest among the groups gnomAD compares: Non-Finnish European, 0.0061%; no homozygotes.

Submissions (4):

CeGaT Center for Human Genetics Tuebingen
Classification: Likely benign. Last evaluated: 2026-06-01. Review status: criteria provided, single submitter. Criteria: CeGaT Center For Human Genetics Tuebingen Variant Classification Criteria Version 2. Collection method: clinical testing. Allele origin: germline. Affected: yes. Observed: 1 variant allele.
Comment: ALK: BP4, BP7

Labcorp Genetics (formerly Invitae), Labcorp
Classification: Likely benign for Neuroblastoma, susceptibility to, 3. Last evaluated: 2025-11-20. Review status: criteria provided, single submitter. Criteria: Invitae Variant Classification Sherloc (09022015). Collection method: clinical testing. Allele origin: germline.

Ambry Genetics
Classification: Likely benign for Hereditary cancer-predisposing syndrome. Last evaluated: 2022-02-12. Review status: criteria provided, single submitter. Criteria: Ambry Variant Classification Scheme 2023. Collection method: clinical testing. Allele origin: germline.

Sema4
Classification: Likely benign for Hereditary cancer-predisposing syndrome. Last evaluated: 2021-06-23. Review status: criteria provided, single submitter. Criteria: Sema4 Curation Guidelines. Collection method: curation. Allele origin: germline.

NM_004304.5(ALK):c.1854A>C (p.Gly618=)

Gene: ALK (ALK receptor tyrosine kinase; minus strand). Cytogenetic location: 2p23.2.
Variant type: single nucleotide variant.
Coding change: c.1854A>C on transcript NM_004304.5 (MANE Select); coding-DNA position 1854, A replaced by C.
Protein change: p.Gly618=; no amino-acid change (glycine 618 retained).
Molecular consequence: synonymous variant.
Genome position (GRCh38, 1-based): chr2:29,275,460, T>G on the plus strand (A>C on the coding strand, the complement: ALK is on the minus strand). VCF-style: chr2-29275460-T-G. GRCh37 (hg19) VCF-style: chr2-29498326-T-G.
Identifiers: ClinVar variation 538275 (VCV000538275.17), dbSNP rs145060046, ClinGen allele CA1594505.